The following is an entry in ClinVar:

NM_001354604.2(MITF):c.1477del (p.Val493fs)

Gene: MITF (melanocyte inducing transcription factor; plus strand). Cytogenetic location: 3p13.
Variant type: Deletion.
Coding change: c.1477del on transcript NM_001354604.2 (MANE Select); coding-DNA position 1477, one base deleted (G; older notation c.1477delG).
Protein change: p.Val493fs; shifts the reading frame from valine 493.
Molecular consequence: frameshift variant.
Genome position (GRCh38, 1-based): chr3:69,965,144, G deleted. VCF-style (leftmost placement, unchanged base first): chr3-69965143-CG-C. GRCh37 (hg19) VCF-style: chr3-70014294-CG-C.
Other names: c.1156del, p.Val386fs (NM_000248.4); c.1303del, p.Val435fs (NM_001184967.2, NM_001354608.2); c.1474del, p.Val492fs (NM_001354605.2); c.1456del, p.Val486fs (NM_001354606.2, NM_006722.3); c.1408del, p.Val470fs (NM_001354607.2); c.1138del, p.Val380fs (NM_198158.3); c.1459del, p.Val487fs (NM_198159.3); c.1411del, p.Val471fs (NM_198177.3); and 1 more; short protein forms V324fs, V380fs, V386fs, V435fs, V470fs, V471fs, V486fs, V487fs.
Identifiers: ClinVar variation 3751772 (VCV003751772.2).

ClinVar aggregate classification (germline): Uncertain significance (1 of 4 stars; one submission).

Conditions:
Tietz syndrome (TADS). Also called: HYPOPIGMENTATION/DEAFNESS OF TIETZ; TIETZ ALBINISM-DEAFNESS SYNDROME; ALBINISM-DEAFNESS OF TIETZ. Identifiers: Orphanet 42665, MedGen C0391816, MONDO:0007077, OMIM 103500.
Waardenburg syndrome type 2A (WS2A). Also called: WAARDENBURG SYNDROME WITHOUT DYSTOPIA CANTHORUM. Identifiers: Orphanet 3440, MedGen C1860339, MONDO:0008671, OMIM 193510.
Melanoma, cutaneous malignant, susceptibility to, 8. Also called: MELANOMA AND RENAL CELL CARCINOMA, SUSCEPTIBILITY TO; Cutaneous malignant melanoma 8. Identifiers: Orphanet 293822, MedGen C3152204, MONDO:0013759, OMIM 614456.

Submission:

Labcorp Genetics (formerly Invitae), Labcorp
Classification: Uncertain significance for Melanoma, cutaneous malignant, susceptibility to, 8; Waardenburg syndrome type 2A; Tietz syndrome. Last evaluated: 2024-11-07. Review status: criteria provided, single submitter. Criteria: Invitae Variant Classification Sherloc (09022015). Collection method: clinical testing. Allele origin: germline.
Comment: This sequence change creates a premature translational stop signal (p.Val386Serfs*25) in the MITF gene. While this is not anticipated to result in nonsense mediated decay, it is expected to disrupt the last 34 amino acid(s) of the MITF protein. This variant is not present in population databases (gnomAD no frequency). This variant has not been reported in the literature in individuals affected with MITF-related conditions. Experimental studies and prediction algorithms are not available or were not evaluated, and the functional significance of this variant is currently unknown. In summary, the available evidence is currently insufficient to determine the role of this variant in disease. Therefore, it has been classified as a Variant of Uncertain Significance.